The following is an entry in ClinVar:

NM_003850.3(SUCLA2):c.107G>C (p.Gly36Ala)

Gene: SUCLA2 (succinate-CoA ligase ADP-forming subunit beta; minus strand). Cytogenetic location: 13q14.2.
Variant type: single nucleotide variant.
Coding change: c.107G>C on transcript NM_003850.3 (MANE Select); coding-DNA position 107, G replaced by C.
Protein change: p.Gly36Ala; replaces glycine 36 with alanine.
Molecular consequence: missense variant.
Genome position (GRCh38, 1-based): chr13:47,997,007, C>G on the plus strand (G>C on the coding strand, the complement: SUCLA2 is on the minus strand). VCF-style: chr13-47997007-C-G. GRCh37 (hg19) VCF-style: chr13-48571142-C-G.
Other names: short protein forms G36A.
Identifiers: ClinVar variation 1711911 (VCV001711911.3), dbSNP rs562054688, ClinGen allele CA6978084.

ClinVar aggregate classification (germline): Uncertain significance. Review status: criteria provided, multiple submitters, no conflicts (2 of 4 stars). 2 submissions from 2 submitters: Uncertain significance (2). Last evaluated 2024-05-23.

Conditions:
Inborn genetic diseases. Identifiers: MedGen C0950123, MeSH D030342.

Allele frequency attached by ClinVar (database versions not stated): ExAC 0.00001; gnomAD 0.00001; 1000 Genomes Project 30x 0.00016; 1000 Genomes Project 0.00020.
gnomAD v4.1: 5 of 1,614,082 alleles (0.00031%); highest among the groups gnomAD compares: South Asian, 0.0044%; no homozygotes.

Submissions (2):

Ambry Genetics
Classification: Uncertain significance for Inborn genetic diseases. Last evaluated: 2024-05-23. Review status: criteria provided, single submitter. Criteria: Ambry Variant Classification Scheme 2023. Collection method: clinical testing. Allele origin: germline.

GeneDx
Classification: Uncertain significance. Last evaluated: 2022-04-21. Review status: criteria provided, single submitter. Criteria: GeneDx Variant Classification Process June 2021. Collection method: clinical testing. Allele origin: germline. Affected: yes.
Comment: Not observed at significant frequency in large population cohorts (gnomAD); In silico analysis supports that this missense variant does not alter protein structure/function; Has not been previously published as pathogenic or benign to our knowledge